The following is an entry in ClinVar:

ClinVar aggregate classification (germline): Uncertain significance (1 of 4 stars; one submission).

Conditions:
Intellectual developmental disorder, X-linked 93. Also called: MENTAL RETARDATION, X-LINKED, WITH MACROCEPHALY; Intellectual disability, X-linked 93. Identifiers: MedGen C1970841, MONDO:0010393, OMIM 300659.

Submissions (2):

Daryl Scott Lab, Baylor College of Medicine
Classification: Uncertain significance for Intellectual developmental disorder, X-linked 93. Review status: criteria provided, single submitter. Criteria: ACMG Guidelines, 2015. Collection method: clinical testing. Allele origin: maternal. Affected: yes. Observed: 1 hemizygote.
Comment: PM2

Dr. Peter K. Rogan Lab, Western University
No classification provided (evidence only). Condition: Nonpapillary renal cell carcinoma. Review status: no classification provided. Collection method: in vitro. Allele origin: not applicable. Functional consequence: skipped exon, retained intron. Not counted in ClinVar's aggregate classification.

NM_153252.5(BRWD3):c.2333A>G (p.Tyr778Cys)

Gene: BRWD3 (bromodomain and WD repeat domain containing 3; minus strand). Cytogenetic location: Xq21.1.
Variant type: single nucleotide variant.
Coding change: c.2333A>G on transcript NM_153252.5 (MANE Select); coding-DNA position 2333, A replaced by G.
Protein change: p.Tyr778Cys; replaces tyrosine 778 with cysteine.
Molecular consequence: missense variant. On other transcripts: intron variant (1).
Genome position (GRCh38, 1-based): chrX:80,709,570, T>C on the plus strand (A>G on the coding strand, the complement: BRWD3 is on the minus strand). VCF-style: chrX-80709570-T-C. GRCh37 (hg19) VCF-style: chrX-79965069-T-C.
Other names: NC_000023.10:g.79965069T>C; c.2326-2067A>G (NM_001441339.1); short protein forms Y778C.
Identifiers: ClinVar variation 4279659 (VCV004279659.2).